The following is an entry in ClinVar:

NM_000057.4(BLM):c.107del (p.Thr36fs)

Gene: BLM (BLM RecQ like helicase; plus strand). Cytogenetic location: 15q26.1.
Variant type: Deletion.
Coding change: c.107del on transcript NM_000057.4 (MANE Select); coding-DNA position 107, one base deleted (C; older notation c.107delC).
Protein change: p.Thr36fs; shifts the reading frame from threonine 36.
Molecular consequence: frameshift variant. On other transcripts: 5 prime UTR variant (1).
Genome position (GRCh38, 1-based): chr15:90,749,375, C deleted. VCF-style (leftmost placement, unchanged base first): chr15-90749374-AC-A. GRCh37 (hg19) VCF-style: chr15-91292604-AC-A.
Other names: c.107del, p.Thr36fs (NM_001287246.2, NM_001287247.2); c.-1185del (NM_001287248.2); short protein forms T36fs.
Identifiers: ClinVar variation 4815649 (VCV004815649.1).
Genomic context (GRCh38, chr15:90,749,374, plus strand): 5'-GGGGGGTTTCTTAAAATGGATCCATCTAATCTAGTTTTTCCATTATTTTTCAGAGGTTTC[AC>A]TTTTAAAAAGAAAACATCTTCAGATAACAATGTATCTGTAACTAATGTGTCAGTAGCAAA-3'

ClinVar aggregate classification (germline): Likely pathogenic (1 of 4 stars; one submission).

Conditions:
Bloom syndrome (BLM). Also called: Bloom-Torre-Machacek syndrome. Identifiers: Orphanet 125, MedGen C0005859, MONDO:0008876, OMIM 210900.

Submission:

Natera, Inc.
Classification: Likely pathogenic for Bloom syndrome. Last evaluated: 2025-07-18. Review status: criteria provided, single submitter. Criteria: Natera Variant Classification Schema (03/2026). Collection method: clinical testing. Allele origin: germline.
Comment: The c.107del variant in BLM is a frameshift variant predicted to shift the reading frame beginning at codon 36 and leads to a stop codon 14 codons downstream. This variant is expected to result in nonsense mediated decay, truncation, or a dysfunctional protein product. This variant is rare in the general population with a frequency below the threshold expected for the associated phenotype(s). Given the available evidence, this variant is classified as Likely Pathogenic.